The following is an entry in ClinVar:

ClinVar aggregate classification (germline): Uncertain significance (1 of 4 stars; one submission).

Conditions:
Cardiovascular phenotype. Identifiers: MedGen CN230736.

Submission:

Ambry Genetics
Classification: Uncertain significance for Cardiovascular phenotype. Last evaluated: 2016-10-05. Review status: criteria provided, single submitter. Criteria: Ambry Variant Classification Scheme 2023. Collection method: clinical testing. Allele origin: germline.
Comment: The c.2783delC variant, located in coding exon 8 of the HCN4 gene, results from a deletion of one nucleotide at nucleotide position 2783, causing a translational frameshift with a predicted alternate stop codon (p.P928Rfs*57). This frameshift occurs in the 3' terminal exon of HCN4, and is not expected to trigger nonsense-mediated mRNA decay. Rather, this deletion results in truncation and loss of the C-terminal 277 amino acids of the HCN4 channel. The exact functional impact of the loss of these amino acids is unknown at this time. Frameshift variants are typically deleterious in nature. However, loss of function through HCN4 protein truncation has not been clearly established as a mechanism of disease. Prior studies reporting HCN4 frameshift and splice alterations did not demonstrate that channel truncation was truly pathogenic in the patients in whom the sequence alterations were identified (Ueda K et al. J Hum Genet. 2009;54(2):115-21; Schweizer PA et al. Circ Arrhythm Electrophysiol. 2010;3(5):542-52; Verkerk AO et al. Europace. 2014;16(3):384-95). In addition, this variant was not reported in population-based cohorts in the following databases: Database of Single Nucleotide Polymorphisms (dbSNP), Exome Aggregation Consortium (ExAC), NHLBI Exome Sequencing Project (ESP), and 1000 Genomes Project. In the ESP, this variant was not observed in 5877 samples (11754 alleles) with coverage at this position. Since supporting evidence is limited at this time, the clinical significance of this alteration remains unclear.

Literature cited by the submitters: PubMed 19165230; PubMed 20693575; PubMed 24569893.

NM_005477.3(HCN4):c.2783del (p.Pro928fs)

Gene: HCN4 (hyperpolarization activated cyclic nucleotide gated potassium channel 4; minus strand). Cytogenetic location: 15q24.1.
Variant type: Deletion.
Coding change: c.2783del on transcript NM_005477.3 (MANE Select); coding-DNA position 2783, one base deleted (C; older notation c.2783delC).
Protein change: p.Pro928fs; shifts the reading frame from proline 928.
Molecular consequence: frameshift variant.
Genome position (GRCh38, 1-based): chr15:73,323,310, G deleted on the plus strand (C on the coding strand, the reverse complement: HCN4 is on the minus strand); the first of 4 consecutive G bases (chr15:73,323,310-73,323,313); deleting any one gives the same sequence. VCF-style (leftmost placement, unchanged base first): chr15-73323309-CG-C. GRCh37 (hg19) VCF-style: chr15-73615650-CG-C.
Other names: short protein forms P928fs.
Identifiers: ClinVar variation 519335 (VCV000519335.5), dbSNP rs1277827477, ClinGen allele CA619410581.